The following is an entry in ClinVar:

ClinVar aggregate classification (germline): Uncertain significance (1 of 4 stars; one submission).

Submission:

Labcorp Genetics (formerly Invitae), Labcorp
Classification: Uncertain significance. Last evaluated: 2021-12-30. Review status: criteria provided, single submitter. Criteria: Invitae Variant Classification Sherloc (09022015). Collection method: clinical testing. Allele origin: germline.
Comment: This variant results in a copy number gain of the genomic region encompassing exon(s) 2-5 of the CTNNA1 gene. This region includes the initiator codon of the gene. This copy number gain extends beyond the assayed region for this gene and therefore may encompass additional genes. As the precise location of this event is unknown, it may be in tandem or it may be located elsewhere in the genome. This variant has not been reported in the literature in individuals affected with CTNNA1-related conditions. In summary, the available evidence is currently insufficient to determine the role of this variant in disease. Therefore, it has been classified as a Variant of Uncertain Significance.

NC_000005.9:g.(?_138117614)_(138148001_?)dup

Gene: CTNNA1 (catenin alpha 1; plus strand). Cytogenetic location: 5q31.2.
Variant type: Duplication.
Identifiers: ClinVar variation 2424307 (VCV002424307.4).